The following is an entry in ClinVar:

NM_001277115.2(DNAH11):c.1804G>T (p.Glu602Ter)

Gene: DNAH11 (dynein axonemal heavy chain 11; plus strand). Cytogenetic location: 7p15.3.
Variant type: single nucleotide variant.
Coding change: c.1804G>T on transcript NM_001277115.2 (MANE Select); coding-DNA position 1804, G replaced by T.
Protein change: p.Glu602Ter; replaces glutamic acid 602 with a stop codon.
Molecular consequence: nonsense.
Genome position (GRCh38, 1-based): chr7:21,588,157, G>T. VCF-style: chr7-21588157-G-T. GRCh37 (hg19) VCF-style: chr7-21627775-G-T.
Other names: c.1804G>T, p.Glu602Ter (NM_003777.3); short protein forms E602*.
Identifiers: ClinVar variation 2800091 (VCV002800091.3), dbSNP rs2534583808, ClinGen allele CA366938664.

ClinVar aggregate classification (germline): Pathogenic (1 of 4 stars; one submission).

Conditions:
Primary ciliary dyskinesia. Also called: Ciliary dyskinesia. Identifiers: Orphanet 244, MedGen C0008780, MONDO:0016575, HP:0012265.

Submission:

Labcorp Genetics (formerly Invitae), Labcorp
Classification: Pathogenic for Primary ciliary dyskinesia. Last evaluated: 2023-01-10. Review status: criteria provided, single submitter. Criteria: Invitae Variant Classification Sherloc (09022015). Collection method: clinical testing. Allele origin: germline.
Comment: For these reasons, this variant has been classified as Pathogenic. This variant has not been reported in the literature in individuals affected with DNAH11-related conditions. This variant is not present in population databases (gnomAD no frequency). This sequence change creates a premature translational stop signal (p.Glu602*) in the DNAH11 gene. It is expected to result in an absent or disrupted protein product. Loss-of-function variants in DNAH11 are known to be pathogenic (PMID: 18022865, 20513915, 22184204).

Literature cited by the submitters: PubMed 18022865; PubMed 20513915; PubMed 22184204.